The following is an entry in ClinVar:

ClinVar aggregate classification (germline): Pathogenic (1 of 4 stars; one submission).

Submission:

Labcorp Genetics (formerly Invitae), Labcorp
Classification: Pathogenic. Last evaluated: 2023-11-18. Review status: criteria provided, single submitter. Criteria: Invitae Variant Classification Sherloc (09022015). Collection method: clinical testing. Allele origin: germline.
Comment: This variant results in a copy number gain of the genomic region encompassing exon(s) 18-20 of the PHEX gene. While the exact position of this variant cannot be determined from the data, sub-genic copy number gains are generally in tandem (PMID: 25640679). This variant is predicted to be out-of-frame, and may result in an absent or disrupted protein product. Loss-of-function variants in PHEX are known to be pathogenic (PMID: 9097956, 9106524, 19219621). A similar copy number variant has been observed in individuals with hypophosphatemic rickets (Invitae). For these reasons, this variant has been classified as Pathogenic.

Literature cited by the submitters: PubMed 25640679; PubMed 9097956; PubMed 9106524; PubMed 19219621.

NC_000023.10:g.(?_22239710)_(22245748_?)dup

Gene: PHEX (phosphate regulating endopeptidase X-linked; plus strand). Cytogenetic location: Xp22.11.
Variant type: Duplication.
Identifiers: ClinVar variation 1497653 (VCV001497653.4).